The following is an entry in ClinVar:

NM_005219.5(DIAPH1):c.2801G>A (p.Arg934Gln)

Gene: DIAPH1 (diaphanous related formin 1; minus strand). Cytogenetic location: 5q31.3.
Variant type: single nucleotide variant.
Coding change: c.2801G>A on transcript NM_005219.5 (MANE Select); coding-DNA position 2801, G replaced by A.
Protein change: p.Arg934Gln; replaces arginine 934 with glutamine.
Molecular consequence: missense variant.
Genome position (GRCh38, 1-based): chr5:141,528,919, C>T on the plus strand (G>A on the coding strand, the complement: DIAPH1 is on the minus strand). VCF-style: chr5-141528919-C-T. GRCh37 (hg19) VCF-style: chr5-140908486-C-T.
Other names: c.2774G>A, p.Arg925Gln (NM_001079812.3); c.2801G>A, p.Arg934Gln (NM_001314007.2); short protein forms R925Q, R934Q.
Identifiers: ClinVar variation 1386601 (VCV001386601.7), dbSNP rs758893826, ClinGen allele CA3478946.

ClinVar aggregate classification (germline): Uncertain significance. Review status: criteria provided, multiple submitters, no conflicts (2 of 4 stars). 2 submissions from 2 submitters: Uncertain significance (2). Last evaluated 2026-01-18.

Conditions:
Autosomal dominant nonsyndromic hearing loss 1. Also called: DEAFNESS, AUTOSOMAL DOMINANT 1, WITH OR WITHOUT THROMBOCYTOPENIA; KONIGSMARK SYNDROME. Identifiers: Orphanet 90635, MedGen C1852282, MONDO:0007424, OMIM 124900.
Progressive microcephaly-seizures-cortical blindness-developmental delay syndrome. Also called: Seizures, cortical blindness, and microcephaly syndrome. Identifiers: Orphanet 477814, MedGen C5567650, MONDO:0014714, OMIM 616632.

Allele frequency attached by ClinVar (database versions not stated): gnomAD exomes 0.00001; ExAC 0.00002.

Submissions (2):

Labcorp Genetics (formerly Invitae), Labcorp
Classification: Uncertain significance for Progressive microcephaly-seizures-cortical blindness-developmental delay syndrome; Autosomal dominant nonsyndromic hearing loss 1. Last evaluated: 2026-01-18. Review status: criteria provided, single submitter. Criteria: Invitae Variant Classification Sherloc (09022015). Collection method: clinical testing. Allele origin: germline.
Comment: This sequence change replaces arginine, which is basic and polar, with glutamine, which is neutral and polar, at codon 934 of the DIAPH1 protein (p.Arg934Gln). This variant is present in population databases (rs758893826, gnomAD 0.006%). This variant has not been reported in the literature in individuals affected with DIAPH1-related conditions. ClinVar contains an entry for this variant (Variation ID: 1386601). An algorithm developed to predict the effect of missense changes on protein structure and function outputs the following: PolyPhen-2: "Benign". The glutamine amino acid residue is found in multiple mammalian species, which suggests that this missense change does not adversely affect protein function. In summary, the available evidence is currently insufficient to determine the role of this variant in disease. Therefore, it has been classified as a Variant of Uncertain Significance.

Breakthrough Genomics
Classification: Uncertain significance. Review status: criteria provided, single submitter. Criteria: ACMG Guidelines, 2015. Collection method: not provided. Allele origin: germline. Inheritance: Autosomal recessive inheritance. Affected: yes.